The following is an entry in ClinVar:

NM_001079872.2(CUL4B):c.237A>C (p.Ser79=)

Genes: CUL4B (cullin 4B; minus strand), LOC113845788 (Sharpr-MPRA regulatory region 11856; plus strand). Cytogenetic location: Xq24.
Variant type: single nucleotide variant.
Coding change: c.237A>C on transcript NM_001079872.2 (MANE Select); coding-DNA position 237, A replaced by C.
Protein change: p.Ser79=; no amino-acid change (serine 79 retained).
Molecular consequence: synonymous variant.
Genome position (GRCh38, 1-based): chrX:120,560,402, T>G on the plus strand (A>C on the coding strand, the complement: CUL4B is on the minus strand). VCF-style: chrX-120560402-T-G. GRCh37 (hg19) VCF-style: chrX-119694257-T-G.
Other names: c.252A>C, p.Ser84= (NM_001330624.2); c.291A>C, p.Ser97= (NM_003588.4).
Identifiers: ClinVar variation 3357208 (VCV003357208.1).

ClinVar aggregate classification (germline): Likely benign (0 of 4 stars; one submission).

Conditions:
CUL4B-related disorder. Also called: CUL4B-related condition.

gnomAD v4.1: 4 of 1,208,909 alleles (0.00033%); highest among the groups gnomAD compares: Non-Finnish European, 0.00045%; no homozygotes.

Submission:

PreventionGenetics, part of Exact Sciences
Classification: Likely benign for CUL4B-related condition. Last evaluated: 2024-07-29. Review status: no assertion criteria provided. Collection method: clinical testing. Allele origin: germline.
Comment: This variant is classified as likely benign based on ACMG/AMP sequence variant interpretation guidelines (Richards et al. 2015 PMID: 25741868, with internal and published modifications).